The following is an entry in ClinVar:

ClinVar aggregate classification (germline): Conflicting classifications of pathogenicity. Review status: criteria provided, conflicting classifications (1 of 4 stars). 3 submissions from 3 submitters: Uncertain significance (2); Benign (1). Last evaluated 2025-08-25.

Conditions:
Ehlers-Danlos syndrome, classic type, 1 (EDSCL1). Also called: EHLERS-DANLOS SYNDROME, GRAVIS TYPE; EHLERS-DANLOS SYNDROME, SEVERE CLASSIC TYPE; EDS I; Ehlers-Danlos Syndrome, Classic Type, COL5A1-Related; Ehlers-Danlos syndrome, type 1. Identifiers: MedGen C0268335, MONDO:0019567, OMIM 130000.

Allele frequency attached by ClinVar (database versions not stated): 1000 Genomes Project 30x 0.00031; gnomAD 0.00003; gnomAD exomes 0.00001 and 0.00003; 1000 Genomes Project 0.00020; ExAC 0.00003; TOPMed 0.00004.
gnomAD v4.1: 26 of 1,613,982 alleles (0.0016%); highest among the groups gnomAD compares: Admixed American, 0.005%; no homozygotes.

Submissions (3):

Labcorp Genetics (formerly Invitae), Labcorp
Classification: Benign for Ehlers-Danlos syndrome, classic type, 1. Last evaluated: 2025-08-25. Review status: criteria provided, single submitter. Criteria: Invitae Variant Classification Sherloc (09022015). Collection method: clinical testing. Allele origin: germline.

Women's Health and Genetics/Laboratory Corporation of America, LabCorp
Classification: Uncertain significance. Last evaluated: 2025-07-16. Review status: criteria provided, single submitter. Criteria: LabCorp Variant Classification Summary - May 2015. Collection method: clinical testing. Allele origin: germline.
Comment: Variant summary: COL5A2 c.2711C>T (p.Pro904Leu) results in a non-conservative amino acid change in the encoded protein sequence. Algorithms developed to predict the effect of missense changes on protein structure and function all suggest that this variant is likely to be disruptive. The variant allele was found at a frequency of 2.8e-05 in 251304 control chromosomes. The available data on variant occurrences in the general population are insufficient to allow any conclusion about variant significance. To our knowledge, no occurrence of c.2711C>T in individuals affected with Ehlers-Danlos Syndrome and no experimental evidence demonstrating its impact on protein function have been reported. ClinVar contains an entry for this variant (Variation ID: 1013762). Based on the evidence outlined above, the variant was classified as uncertain significance.

GeneDx
Classification: Uncertain significance. Last evaluated: 2019-09-10. Review status: criteria provided, single submitter. Criteria: GeneDx Variant Classification Process June 2021. Collection method: clinical testing. Allele origin: germline. Affected: yes.
Comment: Has not been previously published as pathogenic or benign to our knowledge; In silico analysis, which includes protein predictors and evolutionary conservation, supports a deleterious effect

NM_000393.5(COL5A2):c.2711C>T (p.Pro904Leu)

Gene: COL5A2 (collagen type V alpha 2 chain; minus strand). Cytogenetic location: 2q32.2.
Variant type: single nucleotide variant.
Coding change: c.2711C>T on transcript NM_000393.5 (MANE Select); coding-DNA position 2711, C replaced by T.
Protein change: p.Pro904Leu; replaces proline 904 with leucine.
Molecular consequence: missense variant.
Genome position (GRCh38, 1-based): chr2:189,052,753, G>A on the plus strand (C>T on the coding strand, the complement: COL5A2 is on the minus strand). VCF-style: chr2-189052753-G-A. GRCh37 (hg19) VCF-style: chr2-189917479-G-A.
Other names: c.2711C>T (NM_000393.4); short protein forms P904L.
Identifiers: ClinVar variation 1013762 (VCV001013762.13), dbSNP rs189320512, ClinGen allele CA2022230.